The following is an entry in ClinVar:

NM_001258392.3(CLPB):c.95C>T (p.Ala32Val)

Genes: CLPB (ClpB family mitochondrial disaggregase; minus strand), LOC130006336 (ATAC-STARR-seq lymphoblastoid active region 5191; plus strand). Cytogenetic location: 11q13.4.
Variant type: single nucleotide variant.
Coding change: c.95C>T on transcript NM_001258392.3 (MANE Select); coding-DNA position 95, C replaced by T.
Protein change: p.Ala32Val; replaces alanine 32 with valine.
Molecular consequence: missense variant. On other transcripts: 5 prime UTR variant (1).
Genome position (GRCh38, 1-based): chr11:72,434,380, G>A on the plus strand (C>T on the coding strand, the complement: CLPB is on the minus strand). VCF-style: chr11-72434380-G-A. GRCh37 (hg19) VCF-style: chr11-72145424-G-A.
Other names: c.95C>T, p.Ala32Val (NM_001258393.3, NM_030813.6); c.-148C>T (NM_001258394.3); short protein forms A32V.
Identifiers: ClinVar variation 2804908 (VCV002804908.3), dbSNP rs2496016698, ClinGen allele CA381963811.

ClinVar aggregate classification (germline): Uncertain significance (1 of 4 stars; one submission).

Conditions:
3-methylglutaconic aciduria, type VIIB (MGCA7B). Also called: CLPB Deficiency; 3-methylglutaconic aciduria with cataracts, neurologic involvement and neutropenia; 3-methylglutaconic aciduria, type VII, with cataracts, neurologic involvement and neutropenia. Identifiers: Orphanet 445038, MedGen C5676893, MONDO:0014561, OMIM 616271.

gnomAD v4.1: 2 of 1,611,602 alleles (0.00012%); highest among the groups gnomAD compares: Non-Finnish European, 0.00017%; no homozygotes.

Submission:

Labcorp Genetics (formerly Invitae), Labcorp
Classification: Uncertain significance for 3-methylglutaconic aciduria, type VIIB. Last evaluated: 2023-11-04. Review status: criteria provided, single submitter. Criteria: Invitae Variant Classification Sherloc (09022015). Collection method: clinical testing. Allele origin: germline.
Comment: This sequence change replaces alanine, which is neutral and non-polar, with valine, which is neutral and non-polar, at codon 32 of the CLPB protein (p.Ala32Val). This variant is not present in population databases (gnomAD no frequency). This variant has not been reported in the literature in individuals affected with CLPB-related conditions. Algorithms developed to predict the effect of missense changes on protein structure and function output the following: SIFT: "Not Available"; PolyPhen-2: "Benign"; Align-GVGD: "Not Available". The valine amino acid residue is found in multiple mammalian species, which suggests that this missense change does not adversely affect protein function. In summary, the available evidence is currently insufficient to determine the role of this variant in disease. Therefore, it has been classified as a Variant of Uncertain Significance.